The following is an entry in ClinVar:

NM_005141.5(FGB):c.244C>A (p.Gln82Lys)

Gene: FGB (fibrinogen beta chain; plus strand). Cytogenetic location: 4q31.3.
Variant type: single nucleotide variant.
Coding change: c.244C>A on transcript NM_005141.5 (MANE Select); coding-DNA position 244, C replaced by A.
Protein change: p.Gln82Lys; replaces glutamine 82 with lysine.
Molecular consequence: missense variant. On other transcripts: intron variant (1).
Genome position (GRCh38, 1-based): chr4:154,565,937, C>A. VCF-style: chr4-154565937-C-A. GRCh37 (hg19) VCF-style: chr4-155487089-C-A.
Other names: c.244C>A, p.Gln82Lys (NM_001382759.1, NM_001382760.1, NM_001382761.1 and 4 more transcripts); c.165+79C>A (NM_001184741.1); short protein forms Q82K.
Identifiers: ClinVar variation 2408990 (VCV002408990.4), dbSNP rs1219609042, ClinGen allele CA358508601.

ClinVar aggregate classification (germline): Uncertain significance. Review status: criteria provided, multiple submitters, no conflicts (2 of 4 stars). 2 submissions from 2 submitters: Uncertain significance (2). Last evaluated 2025-12-15.

Conditions:
Inborn genetic diseases. Identifiers: MedGen C0950123, MeSH D030342.

Allele frequency attached by ClinVar (database versions not stated): gnomAD exomes 0.00001; TOPMed 0.00003.
gnomAD v4.1: 14 of 1,614,120 alleles (0.00087%); highest among the groups gnomAD compares: Admixed American, 0.015%; no homozygotes.

Submissions (2):

Labcorp Genetics (formerly Invitae), Labcorp
Classification: Uncertain significance. Last evaluated: 2025-12-15. Review status: criteria provided, single submitter. Criteria: Invitae Variant Classification Sherloc (09022015). Collection method: clinical testing. Allele origin: germline.
Comment: This sequence change replaces glutamine, which is neutral and polar, with lysine, which is basic and polar, at codon 82 of the FGB protein (p.Gln82Lys). This variant is present in population databases (no rsID available, gnomAD 0.02%). This variant has not been reported in the literature in individuals affected with FGB-related conditions. ClinVar contains an entry for this variant (Variation ID: 2408990). Invitae Evidence Modeling of protein sequence and biophysical properties (such as structural, functional, and spatial information, amino acid conservation, physicochemical variation, residue mobility, and thermodynamic stability) indicates that this missense variant is not expected to disrupt FGB protein function with a negative predictive value of 80%. In summary, the available evidence is currently insufficient to determine the role of this variant in disease. Therefore, it has been classified as a Variant of Uncertain Significance.

Ambry Genetics
Classification: Uncertain significance for Inborn genetic diseases. Last evaluated: 2022-11-01. Review status: criteria provided, single submitter. Criteria: Ambry Variant Classification Scheme 2023. Collection method: clinical testing. Allele origin: germline.